The following is an entry in ClinVar:

ClinVar aggregate classification (germline): Uncertain significance (1 of 4 stars; one submission).

Conditions:
Epileptic encephalopathy. Identifiers: MedGen C0543888, HP:0200134.

gnomAD v4.1: 14 of 1,612,864 alleles (0.00087%); highest among the groups gnomAD compares: African/African-American, 0.0027%; no homozygotes.

Submission:

Labcorp Genetics (formerly Invitae), Labcorp
Classification: Uncertain significance for Epileptic encephalopathy. Last evaluated: 2025-03-23. Review status: criteria provided, single submitter. Criteria: Invitae Variant Classification Sherloc (09022015). Collection method: clinical testing. Allele origin: germline.
Comment: This sequence change replaces glycine, which is neutral and non-polar, with serine, which is neutral and polar, at codon 2489 of the FASN protein (p.Gly2489Ser). This variant is present in population databases (rs753704338, gnomAD 0.004%). This variant has not been reported in the literature in individuals affected with FASN-related conditions. An algorithm developed to predict the effect of missense changes on protein structure and function (PolyPhen-2) suggests that this variant is likely to be disruptive. In summary, the available evidence is currently insufficient to determine the role of this variant in disease. Therefore, it has been classified as a Variant of Uncertain Significance.

NM_004104.5(FASN):c.7465G>A (p.Gly2489Ser)

Gene: FASN (fatty acid synthase; minus strand). Cytogenetic location: 17q25.3.
Variant type: single nucleotide variant.
Coding change: c.7465G>A on transcript NM_004104.5 (MANE Select); coding-DNA position 7465, G replaced by A.
Protein change: p.Gly2489Ser; replaces glycine 2489 with serine.
Molecular consequence: missense variant.
Genome position (GRCh38, 1-based): chr17:82,079,214, C>T on the plus strand (G>A on the coding strand, the complement: FASN is on the minus strand). VCF-style: chr17-82079214-C-T. GRCh37 (hg19) VCF-style: chr17-80037090-C-T.
Other names: short protein forms G2489S.
Identifiers: ClinVar variation 4799637 (VCV004799637.1).